The following is an entry in ClinVar:

ClinVar aggregate classification (germline): Uncertain significance (1 of 4 stars; one submission).

gnomAD v4.1: 1 of 1,608,742 alleles (0.000062%); highest among the groups gnomAD compares: South Asian, 0.0011%; no homozygotes.

Submission:

Ambry Genetics
Classification: Uncertain significance. Last evaluated: 2026-01-06. Review status: criteria provided, single submitter. Criteria: Ambry Variant Classification Scheme 2023. Collection method: clinical testing. Allele origin: germline.
Comment: The p.P781S variant (also known as c.2341C>T), located in coding exon 10 of the WNK2 gene, results from a C to T substitution at nucleotide position 2341. The proline at codon 781 is replaced by serine, an amino acid with similar properties. This amino acid position is conserved. In addition, this alteration is predicted to be tolerated by in silico analysis. Based on the available evidence, the clinical significance of this variant remains unclear.

NM_006648.4(WNK2):c.2341C>T (p.Pro781Ser)

Gene: WNK2 (WNK lysine deficient protein kinase 2; plus strand). Cytogenetic location: 9q22.31.
Variant type: single nucleotide variant.
Coding change: c.2341C>T on transcript NM_006648.4 (MANE Select); coding-DNA position 2341, C replaced by T.
Protein change: p.Pro781Ser; replaces proline 781 with serine.
Molecular consequence: missense variant.
Genome position (GRCh38, 1-based): chr9:93,257,098, C>T. VCF-style: chr9-93257098-C-T. GRCh37 (hg19) VCF-style: chr9-96019380-C-T.
Other names: c.2341C>T, p.Pro781Ser (NM_001282394.3); short protein forms P781S.
Identifiers: ClinVar variation 4842132 (VCV004842132.1).